The following is an entry in ClinVar:

NM_001365951.3(KIF1B):c.860A>C (p.Glu287Ala)

Gene: KIF1B (kinesin family member 1B; plus strand). Cytogenetic location: 1p36.22.
Variant type: single nucleotide variant.
Coding change: c.860A>C on transcript NM_001365951.3 (MANE Select); coding-DNA position 860, A replaced by C.
Protein change: p.Glu287Ala; replaces glutamic acid 287 with alanine.
Molecular consequence: missense variant.
Genome position (GRCh38, 1-based): chr1:10,272,302, A>C. VCF-style: chr1-10272302-A-C. GRCh37 (hg19) VCF-style: chr1-10332360-A-C.
Other names: c.860A>C, p.Glu287Ala (NM_001365952.1, NM_001365953.1, NM_015074.3 and 1 more transcripts); short protein forms E287A.
Identifiers: ClinVar variation 1764030 (VCV001764030.2), dbSNP rs2521107591, ClinGen allele CA338331907.

ClinVar aggregate classification (germline): Uncertain significance (1 of 4 stars; one submission).

Submission:

Ambry Genetics
Classification: Uncertain significance. Last evaluated: 2022-07-11. Review status: criteria provided, single submitter. Criteria: Ambry Variant Classification Scheme 2023. Collection method: clinical testing. Allele origin: germline.
Comment: The p.E287A variant (also known as c.860A>C), located in coding exon 8 of the KIF1B gene, results from an A to C substitution at nucleotide position 860. The glutamic acid at codon 287 is replaced by alanine, an amino acid with dissimilar properties. This amino acid position is conserved. In addition, this alteration is predicted to be deleterious by in silico analysis. Since supporting evidence is limited at this time, the clinical significance of this alteration remains unclear.